The following is an entry in ClinVar:

ClinVar aggregate classification (germline): Uncertain significance (1 of 4 stars; one submission).

gnomAD v4.1: 2 of 1,593,320 alleles (0.00013%); highest among the groups gnomAD compares: Admixed American, 0.0017%; no homozygotes.

Submission:

Biesecker Lab/Clinical Genomics Section, National Institutes of Health
Classification: Uncertain significance. Last evaluated: 2013-06-24. Review status: criteria provided, single submitter. Criteria: Ng et al. (Circ Cardiovasc Genet. 2013). Collection method: research. Allele origin: unknown. Observed: 1 variant allele. Study: ClinSeq.
Comment: The study set was not selected for affection status in relation to any cancer. Pathogenicity categories were based on literature curation. See Pubmed ID:23861362 for details.

Medical sequencing

NM_001267550.2(TTN):c.65800T>G (p.Tyr21934Asp)

Genes: TTN-AS1 (TTN antisense RNA 1; plus strand), TTN (titin; minus strand). Cytogenetic location: 2q31.2.
Variant type: single nucleotide variant.
Coding change: c.65800T>G on transcript NM_001267550.2 (MANE Select); coding-DNA position 65800, T replaced by G.
Protein change: p.Tyr21934Asp; replaces tyrosine 21934 with aspartic acid.
Molecular consequence: missense variant. On other transcripts: non-coding transcript variant (1).
Genome position (GRCh38, 1-based): chr2:178,583,003, A>C on the plus strand (T>G on the coding strand, the complement: TTN is on the minus strand). VCF-style: chr2-178583003-A-C. GRCh37 (hg19) VCF-style: chr2-179447730-A-C.
Other names: c.60877T>G, p.Tyr20293Asp (NM_001256850.1); c.38605T>G, p.Tyr12869Asp (NM_003319.4); c.58096T>G, p.Tyr19366Asp (NM_133378.4); c.38980T>G, p.Tyr12994Asp (NM_133432.3); c.39181T>G, p.Tyr13061Asp (NM_133437.4); short protein forms Y19366D, Y21934D, Y12869D, Y13061D, Y12994D, Y20293D.
Identifiers: ClinVar variation 191919 (VCV000191919.1), dbSNP rs786205385, ClinGen allele CA237870.